The following is an entry in ClinVar:

ClinVar aggregate classification (germline): Pathogenic. Review status: criteria provided, multiple submitters, no conflicts (2 of 4 stars). 5 submissions from 5 submitters: Pathogenic (5). Last evaluated 2025-09-25.

Conditions:
Neurofibromatosis, type 1 (NF1). Also called: Peripheral type neurofibromatosis; VON RECKLINGHAUSEN DISEASE; Neurofibromatosis, type I; NEUROFIBROMATOSIS, TYPE I, SOMATIC. Identifiers: Orphanet 636, MedGen C0027831, MONDO:0018975, OMIM 162200. Disease mechanism: loss of function.

Submissions (5):

NHS Central & South Genomic Laboratory Hub
Classification: Pathogenic for Neurofibromatosis type 1. Last evaluated: 2025-09-25. Review status: criteria provided, single submitter. Criteria: ACMG Guidelines, 2015. Collection method: clinical testing. Allele origin: germline. Affected: yes.

Labcorp Genetics (formerly Invitae), Labcorp
Classification: Pathogenic for Neurofibromatosis, type 1. Last evaluated: 2024-10-07. Review status: criteria provided, single submitter. Criteria: Invitae Variant Classification Sherloc (09022015). Collection method: clinical testing. Allele origin: germline.
Comment: This sequence change creates a premature translational stop signal (p.Ser1546*) in the NF1 gene. It is expected to result in an absent or disrupted protein product. Loss-of-function variants in NF1 are known to be pathogenic (PMID: 10712197, 23913538). This variant is not present in population databases (gnomAD no frequency). This premature translational stop signal has been observed in individual(s) with NF1-related conditions (PMID: 21520333). ClinVar contains an entry for this variant (Variation ID: 940807). RNA analysis performed to evaluate the impact of this premature translational stop signal on mRNA splicing indicates it does not significantly alter splicing (internal data). For these reasons, this variant has been classified as Pathogenic.

GeneDx
Classification: Pathogenic. Last evaluated: 2023-10-31. Review status: criteria provided, single submitter. Criteria: GeneDx Variant Classification Process June 2021. Collection method: clinical testing. Allele origin: germline. Affected: yes.
Comment: Nonsense variant predicted to result in protein truncation or nonsense mediated decay in a gene for which loss-of-function is a known mechanism of disease; Not observed in large population cohorts (gnomAD); This variant is associated with the following publications: (PMID: 21520333, 31370276)

Genome-Nilou Lab
Classification: Pathogenic for Neurofibromatosis, type 1. Last evaluated: 2022-03-15. Review status: criteria provided, single submitter. Criteria: ACMG Guidelines, 2015. Collection method: clinical testing. Allele origin: germline. Affected: no.

Institute of Medical Genetics and Applied Genomics, University Hospital Tübingen
Classification: Pathogenic. Last evaluated: 2021-06-17. Review status: criteria provided, single submitter. Criteria: ACMG Guidelines, 2015. Collection method: clinical testing. Allele origin: germline. Inheritance: Autosomal dominant inheritance. Affected: yes.

Literature cited by the submitters: PubMed 10712197 (cited by Labcorp Genetics (formerly Invitae), Labcorp); PubMed 23913538 (cited by Labcorp Genetics (formerly Invitae), Labcorp); PubMed 21520333 (cited by Labcorp Genetics (formerly Invitae), Labcorp).

NM_001042492.3(NF1):c.4700C>A (p.Ser1567Ter)

Gene: NF1 (neurofibromin 1; plus strand). Cytogenetic location: 17q11.2.
Variant type: single nucleotide variant.
Coding change: c.4700C>A on transcript NM_001042492.3 (MANE Select); coding-DNA position 4700, C replaced by A.
Protein change: p.Ser1567Ter; replaces serine 1567 with a stop codon.
Molecular consequence: nonsense.
Genome position (GRCh38, 1-based): chr17:31,261,833, C>A. VCF-style: chr17-31261833-C-A. GRCh37 (hg19) VCF-style: chr17-29588851-C-A.
Other names: c.4637C>A, p.Ser1546Ter (NM_000267.4); short protein forms S1546*, S1567*.
Identifiers: ClinVar variation 940807 (VCV000940807.11), dbSNP rs1555619051, ClinGen allele CA399000577.